The following is an entry in ClinVar:

ClinVar aggregate classification (germline): Uncertain significance (1 of 4 stars; one submission).

Conditions:
Hereditary cancer-predisposing syndrome. Also called: Neoplastic Syndromes, Hereditary; Tumor predisposition; Hereditary neoplastic syndrome; Hereditary Cancer Syndrome. Identifiers: Orphanet 140162, MedGen C0027672, MeSH D009386, MONDO:0015356.

gnomAD v4.1: 1 of 1,613,714 alleles (0.000062%); highest among the groups gnomAD compares: East Asian, 0.0022%; no homozygotes.

Submission:

Ambry Genetics
Classification: Uncertain significance for Hereditary cancer-predisposing syndrome. Last evaluated: 2021-06-09. Review status: criteria provided, single submitter. Criteria: Ambry Variant Classification Scheme 2023. Collection method: clinical testing. Allele origin: germline.
Comment: The p.N175K variant (also known as c.525T>A), located in coding exon 6 of the NF2 gene, results from a T to A substitution at nucleotide position 525. The asparagine at codon 175 is replaced by lysine, an amino acid with similar properties. This amino acid position is well conserved in available vertebrate species. In addition, this alteration is predicted to be tolerated by in silico analysis. Since supporting evidence is limited at this time, the clinical significance of this alteration remains unclear.

NM_000268.4(NF2):c.525T>A (p.Asn175Lys)

Gene: NF2 (NF2, moesin-ezrin-radixin like (MERLIN) tumor suppressor; plus strand). Cytogenetic location: 22q12.2.
Variant type: single nucleotide variant.
Coding change: c.525T>A on transcript NM_000268.4 (MANE Select); coding-DNA position 525, T replaced by A.
Protein change: p.Asn175Lys; replaces asparagine 175 with lysine.
Molecular consequence: missense variant. On other transcripts: non-coding transcript variant (1), intron variant (1).
Genome position (GRCh38, 1-based): chr22:29,655,602, T>A. VCF-style: chr22-29655602-T-A. GRCh37 (hg19) VCF-style: chr22-30051591-T-A.
Other names: c.525T>A, p.Asn175Lys (NM_016418.5, NM_181825.3, NM_181832.3); c.399T>A, p.Asn133Lys (NM_181828.3); c.402T>A, p.Asn134Lys (NM_181829.3); c.276T>A, p.Asn92Lys (NM_181830.3, NM_181831.3); c.447+13317T>A (NM_181833.3); short protein forms N133K, N134K, N92K, N175K.
Identifiers: ClinVar variation 825593 (VCV000825593.4), dbSNP rs1601613495, ClinGen allele CA411142290.
Genomic context (GRCh38, chr22:29,655,602, plus strand): 5'-TACCAAATTTACTTCATGTGTAGGTTTTTTATTTTGCTCTATTTTTTGGTAGGTAATAAA[T>A]CTGTATCAGATGACTCCGGAAATGTGGGAGGAGAGAATTACTGCTTGGTACGCAGAGCAC-3'
Protein context (NP_000259.1, residues 165-185): QEELLPKRVI[Asn175Lys]LYQMTPEMWE